The following is an entry in ClinVar:

NM_002691.4(POLD1):c.818dup (p.Tyr273Ter)

Gene: POLD1 (DNA polymerase delta 1, catalytic subunit; plus strand). Cytogenetic location: 19q13.33.
Variant type: Duplication.
Coding change: c.818dup on transcript NM_002691.4 (MANE Select); coding-DNA position 818, one base duplicated (A; older notation c.818dupA).
Protein change: p.Tyr273Ter; replaces tyrosine 273 with a stop codon.
Molecular consequence: nonsense. On other transcripts: non-coding transcript variant (1).
Genome position (GRCh38, 1-based): chr19:50,402,513, A duplicated. VCF-style (leftmost placement, unchanged base first): chr19-50402512-T-TA. GRCh37 (hg19) VCF-style: chr19-50905769-T-TA.
Other names: c.818dup, p.Tyr273Ter (NM_001256849.1, NM_001308632.1); short protein forms Y273*.
Identifiers: ClinVar variation 1762346 (VCV001762346.2), dbSNP rs2038690646, ClinGen allele CA2340882883.
Genomic context (GRCh38, chr19:50,402,512, plus strand): 5'-AGGTTCATGGTGGACACGGACATCGTCGGCTGCAACTGGCTGGAGCTCCCAGCTGGGAAA[T>TA]ACGCCCTGAGGCTGAAGGAGAAGGTGCAGGGCTTCCCAGGGCAGGGCTGGGTGGGGAGCT-3'

ClinVar aggregate classification (germline): Uncertain significance (1 of 4 stars; one submission).

Conditions:
Hereditary cancer-predisposing syndrome. Also called: Neoplastic Syndromes, Hereditary; Tumor predisposition; Hereditary Cancer Syndrome; Hereditary neoplastic syndrome. Identifiers: Orphanet 140162, MedGen C0027672, MeSH D009386, MONDO:0015356.

Allele frequency attached by ClinVar (database versions not stated): gnomAD exomes below 0.00001; TOPMed below 0.00001.

Submission:

Ambry Genetics
Classification: Uncertain significance for Hereditary cancer-predisposing syndrome. Last evaluated: 2020-03-25. Review status: criteria provided, single submitter. Criteria: Ambry Variant Classification Scheme 2023. Collection method: clinical testing. Allele origin: germline.
Comment: The c.818dupA variant, located in coding exon 6 of the POLD1 gene, results from a duplication of A at nucleotide position 818, causing a translational frameshift with a predicted alternate stop codon (p.Y273*). This alteration is expected to result in premature protein truncation or nonsense-mediated mRNA decay. However, loss of function of POLD1 has not been clearly established as a mechanism of disease.. Since supporting evidence is limited at this time, the clinical significance of this alteration remains unclear.